The following is an entry in ClinVar:

NM_006231.4(POLE):c.4508T>C (p.Phe1503Ser)

Gene: POLE (DNA polymerase epsilon, catalytic subunit; minus strand). Cytogenetic location: 12q24.33.
Variant type: single nucleotide variant.
Coding change: c.4508T>C on transcript NM_006231.4 (MANE Select); coding-DNA position 4508, T replaced by C.
Protein change: p.Phe1503Ser; replaces phenylalanine 1503 with serine.
Molecular consequence: missense variant.
Genome position (GRCh38, 1-based): chr12:132,643,267, A>G on the plus strand (T>C on the coding strand, the complement: POLE is on the minus strand). VCF-style: chr12-132643267-A-G. GRCh37 (hg19) VCF-style: chr12-133219853-A-G.
Other names: short protein forms F1503S.
Identifiers: ClinVar variation 2831987 (VCV002831987.3), dbSNP rs2042195982, ClinGen allele CA387380485.

ClinVar aggregate classification (germline): Uncertain significance (1 of 4 stars; one submission).

Allele frequency attached by ClinVar (database versions not stated): TOPMed below 0.00001.

Submission:

Labcorp Genetics (formerly Invitae), Labcorp
Classification: Uncertain significance. Last evaluated: 2025-05-13. Review status: criteria provided, single submitter. Criteria: Invitae Variant Classification Sherloc (09022015). Collection method: clinical testing. Allele origin: germline.
Comment: This sequence change replaces phenylalanine, which is neutral and non-polar, with serine, which is neutral and polar, at codon 1503 of the POLE protein (p.Phe1503Ser). This variant is not present in population databases (gnomAD no frequency). This variant has not been reported in the literature in individuals affected with POLE-related conditions. ClinVar contains an entry for this variant (Variation ID: 2831987). Invitae Evidence Modeling of protein sequence and biophysical properties (such as structural, functional, and spatial information, amino acid conservation, physicochemical variation, residue mobility, and thermodynamic stability) has been performed for this missense variant. However, the output from this modeling did not meet the statistical confidence thresholds required to predict the impact of this variant on POLE protein function. In summary, the available evidence is currently insufficient to determine the role of this variant in disease. Therefore, it has been classified as a Variant of Uncertain Significance.